The following is an entry in ClinVar:

ClinVar aggregate classification (germline): Uncertain significance (1 of 4 stars; one submission).

Conditions:
Inborn genetic diseases. Identifiers: MedGen C0950123, MeSH D030342.

Submission:

Ambry Genetics
Classification: Uncertain significance for Inborn genetic diseases. Last evaluated: 2024-01-01. Review status: criteria provided, single submitter. Criteria: Ambry Variant Classification Scheme 2023. Collection method: clinical testing. Allele origin: germline.
Comment: The p.K1897E variant (also known as c.5689A>G), located in coding exon 33 of the ATR gene, results from an A to G substitution at nucleotide position 5689. The lysine at codon 1897 is replaced by glutamic acid, an amino acid with similar properties. This amino acid position is conserved. In addition, the in silico prediction for this alteration is inconclusive. Since supporting evidence is limited at this time, the clinical significance of this alteration remains unclear.

NM_001184.4(ATR):c.5689A>G (p.Lys1897Glu)

Gene: ATR (ATR checkpoint kinase; minus strand). Cytogenetic location: 3q23.
Variant type: single nucleotide variant.
Coding change: c.5689A>G on transcript NM_001184.4 (MANE Select); coding-DNA position 5689, A replaced by G.
Protein change: p.Lys1897Glu; replaces lysine 1897 with glutamic acid.
Molecular consequence: missense variant.
Genome position (GRCh38, 1-based): chr3:142,497,062, T>C on the plus strand (A>G on the coding strand, the complement: ATR is on the minus strand). VCF-style: chr3-142497062-T-C. GRCh37 (hg19) VCF-style: chr3-142215904-T-C.
Other names: c.5497A>G, p.Lys1833Glu (NM_001354579.2); short protein forms K1833E, K1897E.
Identifiers: ClinVar variation 3221221 (VCV003221221.1), dbSNP rs1356414973, ClinGen allele CA354814556.